The following is an entry in ClinVar:

NM_000535.7(PMS2):c.1127C>G (p.Pro376Arg)

Gene: PMS2 (PMS1 homolog 2, mismatch repair system component; minus strand). Cytogenetic location: 7p22.1.
Variant type: single nucleotide variant.
Coding change: c.1127C>G on transcript NM_000535.7 (MANE Select); coding-DNA position 1127, C replaced by G.
Protein change: p.Pro376Arg; replaces proline 376 with arginine.
Molecular consequence: missense variant. On other transcripts: non-coding transcript variant (1), intron variant (10).
Genome position (GRCh38, 1-based): chr7:5,989,817, G>C on the plus strand (C>G on the coding strand, the complement: PMS2 is on the minus strand). VCF-style: chr7-5989817-G-C. GRCh37 (hg19) VCF-style: chr7-6029448-G-C.
Other names: c.959C>G, p.Pro320Arg (NM_001406874.1); c.818C>G, p.Pro273Arg (NM_001406875.1, NM_001406877.1, NM_001406878.1 and 5 more transcripts); c.809C>G, p.Pro270Arg (NM_001406876.1, NM_001406883.1, NM_001406903.1 and 2 more transcripts); c.722C>G, p.Pro241Arg (NM_001406894.1, NM_001406895.1, NM_001406896.1 and 16 more transcripts); c.614C>G, p.Pro205Arg (NM_001406904.1, NM_001406905.1); c.194C>G, p.Pro65Arg (NM_001322011.2, NM_001322012.2); c.554C>G, p.Pro185Arg (NM_001322013.2, NM_001406909.1); c.1127C>G, p.Pro376Arg (NM_001322014.2, NM_001406871.1, NM_001406872.1); and 13 more; short protein forms P119R, P185R, P205R, P241R, P254R, P264R, P270R, P273R.
Identifiers: ClinVar variation 4532976 (VCV004532976.2).

ClinVar aggregate classification (germline): Uncertain significance. Review status: criteria provided, multiple submitters, no conflicts (2 of 4 stars). 2 submissions from 2 submitters: Uncertain significance (2). Last evaluated 2026-08-12.

Conditions:
Hereditary cancer-predisposing syndrome. Also called: Neoplastic Syndromes, Hereditary; Tumor predisposition; Hereditary Cancer Syndrome; Hereditary neoplastic syndrome. Identifiers: Orphanet 140162, MedGen C0027672, MeSH D009386, MONDO:0015356.

Submissions (2):

Ambry Genetics
Classification: Uncertain significance for Hereditary cancer-predisposing syndrome. Last evaluated: 2026-08-12. Review status: criteria provided, single submitter. Criteria: Ambry Variant Classification Scheme 2023. Collection method: clinical testing. Allele origin: germline.
Comment: The p.P376R variant (also known as c.1127C>G), located in coding exon 10 of the PMS2 gene, results from a C to G substitution at nucleotide position 1127. The proline at codon 376 is replaced by arginine, an amino acid with dissimilar properties. This amino acid position is highly conserved in available vertebrate species. In addition, this alteration is predicted to be deleterious by in silico analysis. Based on the available evidence, the clinical significance of this variant remains unclear.

Quest Diagnostics Nichols Institute San Juan Capistrano
Classification: Uncertain significance. Last evaluated: 2025-07-11. Review status: criteria provided, single submitter. Criteria: Quest Diagnostics criteria. Collection method: clinical testing. Allele origin: unknown.
Comment: The PMS2 c.1127C>G (p.Pro376Arg) variant has not been reported in individuals with PMS2-related conditions in the published literature. It also has not been reported in large, multi-ethnic general populations (Genome Aggregation Database). Analysis of this variant using bioinformatics tools for the prediction of the effect of amino acid changes on protein structure and function yielded conflicting predictions that this variant is benign or damaging. Based on the available information, we are unable to determine the clinical significance of this variant.